The following is an entry in ClinVar:

ClinVar aggregate classification (germline): Uncertain significance. Review status: criteria provided, multiple submitters, no conflicts (2 of 4 stars). 8 submissions from 3 submitters: Uncertain significance (8). Last evaluated 2025-05-23.

Conditions:
Dilated cardiomyopathy 1G (CMD1G). Identifiers: Orphanet 154, MedGen C1858763, MONDO:0011400, OMIM 604145.
TTN-related myopathy. Identifiers: MedGen CN294812, MONDO:0100175.
Autosomal recessive limb-girdle muscular dystrophy type 2J (LGMDR10). Also called: MUSCULAR DYSTROPHY, LIMB-GIRDLE, AUTOSOMAL RECESSIVE 10; Limb-girdle muscular dystrophy, type 2J. Identifiers: Orphanet 140922, MedGen C1837342, MONDO:0012127, OMIM 608807.
Early-onset myopathy with fatal cardiomyopathy (CMYO5). Also called: CONGENITAL MYOPATHY 5 WITH CARDIOMYOPATHY; Salih Myopathy. Identifiers: Orphanet 289377, MedGen C2673677, MONDO:0012714, OMIM 611705. Disease mechanism: loss of function.
Myopathy, myofibrillar, 9, with early respiratory failure (MFM9). Also called: Myopathy, distal, with early respiratory failure, autosomal dominant; Hereditary myopathy with early respiratory failure; EDSTROM MYOPATHY; MYOPATHY, PROXIMAL, WITH EARLY RESPIRATORY MUSCLE INVOLVEMENT. Identifiers: Orphanet 178464, Orphanet 34521, MedGen C1863599, MONDO:0011362, OMIM 603689.
Tibial muscular dystrophy (TMD). Also called: Udd Distal Myopathy – Tibial Muscular Dystrophy; UDD MYOPATHY; Tibial muscular dystrophy, tardive. Identifiers: Orphanet 609, MedGen C1838244, MONDO:0010870, OMIM 600334.

Allele frequency attached by ClinVar (database versions not stated): TOPMed below 0.00001.
gnomAD v4.1: 3 of 1,613,976 alleles (0.00019%); highest among the groups gnomAD compares: Non-Finnish European, 0.00025%; no homozygotes.

Submissions (8):

Labcorp Genetics (formerly Invitae), Labcorp
Classification: Uncertain significance for Dilated cardiomyopathy 1G; Autosomal recessive limb-girdle muscular dystrophy type 2J. Last evaluated: 2025-05-23. Review status: criteria provided, single submitter. Criteria: Invitae Variant Classification Sherloc (09022015). Collection method: clinical testing. Allele origin: germline.
Comment: This sequence change replaces glutamic acid, which is acidic and polar, with lysine, which is basic and polar, at codon 35575 of the TTN protein (p.Glu35575Lys). This variant is not present in population databases (gnomAD no frequency). This variant has not been reported in the literature in individuals affected with TTN-related conditions. ClinVar contains an entry for this variant (Variation ID: 332680). An algorithm developed to predict the effect of missense changes on protein structure and function outputs the following: PolyPhen-2: "Not Available". The lysine amino acid residue is found in multiple mammalian species, which suggests that this missense change does not adversely affect protein function. This variant is located in the M band of TTN (PMID: 25589632). Non-truncating variants in this region may be relevant for neuromuscular disorders, but have not been definitively shown to cause cardiomyopathy (PMID: 23975875). In summary, the available evidence is currently insufficient to determine the role of this variant in disease. Therefore, it has been classified as a Variant of Uncertain Significance.

Illumina Laboratory Services, Illumina
Classification: Uncertain significance for TTN-related myopathy. Last evaluated: 2021-02-11. Review status: criteria provided, single submitter. Criteria: ICSLVariantClassificationCriteria RUGD 01 April 2020. Collection method: clinical testing. Allele origin: unknown.
Comment: The TTN c.106723G>A (p.Glu35575Lys) variant is a missense variant. A literature search was performed for the gene, cDNA change, and amino acid change. No publications were found based on this search. The p.Glu35575Lys variant is not found in the Genome Aggregation Database in a region of good sequence coverage, so is presumed to be rare. The p.Glu35575Lys variant is a missense variant in a gene for which primarily truncating variants are known to cause disease. In silico prediction tools generally suggest the variant to be benign. This variant is located within the M-band of the protein. Based on the limited evidence, the p.Glu35575Lys variant is classified as a variant of uncertain significance for TTN-related myopathy.

Revvity Omics, Revvity
Classification: Uncertain significance. Last evaluated: 2019-12-24. Review status: criteria provided, single submitter. Criteria: ACMG Guidelines, 2015. Collection method: clinical testing. Allele origin: germline.

Illumina Laboratory Services, Illumina
Classification: Uncertain significance for Autosomal recessive limb-girdle muscular dystrophy type 2J. Last evaluated: 2018-01-12. Review status: criteria provided, single submitter. Criteria: ICSL Variant Classification Criteria 13 December 2019. Collection method: clinical testing. Allele origin: germline.

Illumina Laboratory Services, Illumina
Classification: Uncertain significance for Dilated cardiomyopathy 1G. Last evaluated: 2018-01-12. Review status: criteria provided, single submitter. Criteria: ICSL Variant Classification Criteria 13 December 2019. Collection method: clinical testing. Allele origin: germline.

Illumina Laboratory Services, Illumina
Classification: Uncertain significance for Early-onset myopathy with fatal cardiomyopathy. Last evaluated: 2018-01-12. Review status: criteria provided, single submitter. Criteria: ICSL Variant Classification Criteria 13 December 2019. Collection method: clinical testing. Allele origin: germline.

Illumina Laboratory Services, Illumina
Classification: Uncertain significance for Tibial muscular dystrophy. Last evaluated: 2018-01-12. Review status: criteria provided, single submitter. Criteria: ICSL Variant Classification Criteria 13 December 2019. Collection method: clinical testing. Allele origin: germline.

Illumina Laboratory Services, Illumina
Classification: Uncertain significance for Myopathy, myofibrillar, 9, with early respiratory failure. Last evaluated: 2018-01-12. Review status: criteria provided, single submitter. Criteria: ICSL Variant Classification Criteria 13 December 2019. Collection method: clinical testing. Allele origin: germline.

Literature cited by the submitters: PubMed 25589632 (cited by Labcorp Genetics (formerly Invitae), Labcorp); PubMed 23975875 (cited by Labcorp Genetics (formerly Invitae), Labcorp).

NM_001267550.2(TTN):c.106723G>A (p.Glu35575Lys)

Genes: TTN (titin; minus strand), TTN-AS1 (TTN antisense RNA 1; plus strand). Cytogenetic location: 2q31.2.
Variant type: single nucleotide variant.
Coding change: c.106723G>A on transcript NM_001267550.2 (MANE Select); coding-DNA position 106723, G replaced by A.
Protein change: p.Glu35575Lys; replaces glutamic acid 35575 with lysine.
Molecular consequence: missense variant.
Genome position (GRCh38, 1-based): chr2:178,529,028, C>T on the plus strand (G>A on the coding strand, the complement: TTN is on the minus strand). VCF-style: chr2-178529028-C-T. GRCh37 (hg19) VCF-style: chr2-179393755-C-T.
Other names: c.101800G>A, p.Glu33934Lys (NM_001256850.1); c.79528G>A, p.Glu26510Lys (NM_003319.4); c.99019G>A, p.Glu33007Lys (NM_133378.4); c.79903G>A, p.Glu26635Lys (NM_133432.3); c.80104G>A, p.Glu26702Lys (NM_133437.4); short protein forms E33007K, E35575K, E33934K, E26635K, E26510K, E26702K.
Identifiers: ClinVar variation 332680 (VCV000332680.10), dbSNP rs886055217, ClinGen allele CA10612000.